The following is an entry in ClinVar:

ClinVar aggregate classification (germline): Uncertain significance. Review status: criteria provided, multiple submitters, no conflicts (2 of 4 stars). 3 submissions from 3 submitters: Uncertain significance (3). Last evaluated 2026-05-11.

Conditions:
Hereditary cancer-predisposing syndrome. Also called: Neoplastic Syndromes, Hereditary; Tumor predisposition; Hereditary Cancer Syndrome; Hereditary neoplastic syndrome. Identifiers: Orphanet 140162, MedGen C0027672, MeSH D009386, MONDO:0015356.

Submissions (3):

Women's Health and Genetics/Laboratory Corporation of America, LabCorp
Classification: Uncertain significance. Last evaluated: 2026-05-11. Review status: criteria provided, single submitter. Criteria: LabCorp Variant Classification Summary - May 2015. Collection method: clinical testing. Allele origin: germline.

Color Diagnostics, LLC DBA Color Health
Classification: Uncertain significance for Hereditary cancer-predisposing syndrome. Last evaluated: 2025-07-11. Review status: criteria provided, single submitter. Criteria: ACMG Guidelines, 2015. Collection method: clinical testing. Allele origin: germline.
Comment: This missense variant replaces isoleucine with arginine at codon 688 of the PMS2 protein. Computational prediction suggests that this variant may have deleterious impact on protein structure and function. To our knowledge, functional studies have not been reported for this variant. This variant has not been reported in individuals affected with PMS2-related disorders in the literature. This variant has not been identified in the general population by the Genome Aggregation Database (gnomAD). The available evidence is insufficient to determine the role of this variant in disease conclusively. Therefore, this variant is classified as a Variant of Uncertain Significance.

Ambry Genetics
Classification: Uncertain significance for Hereditary cancer-predisposing syndrome. Last evaluated: 2024-05-25. Review status: criteria provided, single submitter. Criteria: Ambry Variant Classification Scheme 2023. Collection method: clinical testing. Allele origin: germline.
Comment: The p.I688R variant (also known as c.2063T>G), located in coding exon 12 of the PMS2 gene, results from a T to G substitution at nucleotide position 2063. The isoleucine at codon 688 is replaced by arginine, an amino acid with similar properties. This amino acid position is conserved. In addition, this alteration is predicted to be deleterious by in silico analysis. Since supporting evidence is limited at this time, the clinical significance of this alteration remains unclear.

NM_000535.7(PMS2):c.2063T>G (p.Ile688Arg)

Gene: PMS2 (PMS1 homolog 2, mismatch repair system component; minus strand). Cytogenetic location: 7p22.1.
Variant type: single nucleotide variant.
Coding change: c.2063T>G on transcript NM_000535.7 (MANE Select); coding-DNA position 2063, T replaced by G.
Protein change: p.Ile688Arg; replaces isoleucine 688 with arginine.
Molecular consequence: missense variant. On other transcripts: non-coding transcript variant (1).
Genome position (GRCh38, 1-based): chr7:5,982,935, A>C on the plus strand (T>G on the coding strand, the complement: PMS2 is on the minus strand). VCF-style: chr7-5982935-A-C. GRCh37 (hg19) VCF-style: chr7-6022566-A-C.
Other names: c.1658T>G, p.Ile553Arg (NM_001018040.1, NM_001322003.2, NM_001322004.2 and 15 more transcripts); c.1907T>G, p.Ile636Arg (NM_001322006.2, NM_001406870.1); c.1745T>G, p.Ile582Arg (NM_001322007.2, NM_001322008.2, NM_001406876.1 and 1 more transcripts); c.2063T>G, p.Ile688Arg (NM_001406871.1, NM_001322014.2); c.1865T>G, p.Ile622Arg (NM_001406873.1); c.1895T>G, p.Ile632Arg (NM_001406874.1); c.1754T>G, p.Ile585Arg (NM_001406875.1, NM_001406877.1, NM_001406878.1 and 5 more transcripts); c.860T>G, p.Ile287Arg (NM_001406912.1); and 13 more; short protein forms I287R, I431R, I553R, I580R, I622R, I632R, I636R, I750R.
Identifiers: ClinVar variation 1785264 (VCV001785264.5), dbSNP rs755241829, ClinGen allele CA366738077.